The following is an entry in ClinVar:

ClinVar aggregate classification (germline): Likely benign. Review status: criteria provided, multiple submitters, no conflicts (2 of 4 stars). 2 submissions from 2 submitters: Likely benign (2). Last evaluated 2026-08-01.

Allele frequency attached by ClinVar (database versions not stated): gnomAD 0.00001; gnomAD exomes 0.00001; ExAC 0.00002; TOPMed 0.00002.
gnomAD v4.1: 16 of 1,614,044 alleles (0.00099%); highest among the groups gnomAD compares: Non-Finnish European, 0.0013%; no homozygotes.

Submissions (2):

CeGaT Center for Human Genetics Tuebingen
Classification: Likely benign. Last evaluated: 2026-08-01. Review status: criteria provided, single submitter. Criteria: CeGaT Center For Human Genetics Tuebingen Variant Classification Criteria Version 2. Collection method: clinical testing. Allele origin: germline. Affected: yes. Observed: 2 variant alleles.
Comment: KMT2C: BP1, BP5

Labcorp Genetics (formerly Invitae), Labcorp
Classification: Likely benign. Last evaluated: 2025-12-16. Review status: criteria provided, single submitter. Criteria: Invitae Variant Classification Sherloc (09022015). Collection method: clinical testing. Allele origin: germline.

NM_170606.3(KMT2C):c.11486G>A (p.Gly3829Asp)

Gene: KMT2C (lysine methyltransferase 2C; minus strand). Cytogenetic location: 7q36.1.
Variant type: single nucleotide variant.
Coding change: c.11486G>A on transcript NM_170606.3 (MANE Select); coding-DNA position 11486, G replaced by A.
Protein change: p.Gly3829Asp; replaces glycine 3829 with aspartic acid.
Molecular consequence: missense variant.
Genome position (GRCh38, 1-based): chr7:152,159,047, C>T on the plus strand (G>A on the coding strand, the complement: KMT2C is on the minus strand). VCF-style: chr7-152159047-C-T. GRCh37 (hg19) VCF-style: chr7-151856132-C-T.
Other names: short protein forms G3829D.
Identifiers: ClinVar variation 2658200 (VCV002658200.25), dbSNP rs767776322, ClinGen allele CA4579082.
Genomic context (GRCh38, chr7:152,159,047, plus strand): 5'-TGTTTCTTGGTTTCACTTCCTCCATCTGTTTTTGGCAACTGGTTGCCACATCCAAAACCA[C>T]CTTGCATTTGAGCCCCCAAAGTTTGCTAATGTAATTGGAAAGGGTAAAAAATAAGTGAAC-3'
Protein context (NP_733751.2, residues 3819-3839): GLQTLGAQMQ[Gly3829Asp]GFGCGNQLPK